The following is an entry in ClinVar:

NM_001349206.2(LPIN1):c.119A>G (p.Asn40Ser)

Gene: LPIN1 (lipin 1; plus strand). Cytogenetic location: 2p25.1.
Variant type: single nucleotide variant.
Coding change: c.119A>G on transcript NM_001349206.2 (MANE Select); coding-DNA position 119, A replaced by G.
Protein change: p.Asn40Ser; replaces asparagine 40 with serine.
Molecular consequence: missense variant. On other transcripts: non-coding transcript variant (1).
Genome position (GRCh38, 1-based): chr2:11,765,660, A>G. VCF-style: chr2-11765660-A-G. GRCh37 (hg19) VCF-style: chr2-11905786-A-G.
Other names: c.119A>G (NM_145693.1); c.137A>G, p.Asn46Ser (NM_001261427.3); c.266A>G, p.Asn89Ser (NM_001261428.3, NM_001349208.2); c.119A>G, p.Asn40Ser (NM_001349199.2, NM_001349200.2, NM_001349201.2 and 5 more transcripts); c.209A>G, p.Asn70Ser (NM_001349207.2); short protein forms N40S, N89S, N46S, N70S.
Identifiers: ClinVar variation 330903 (VCV000330903.15), dbSNP rs149819112, ClinGen allele CA1533338.

ClinVar aggregate classification (germline): Uncertain significance. Review status: criteria provided, multiple submitters, no conflicts (2 of 4 stars). 7 submissions from 7 submitters: Uncertain significance (7). Last evaluated 2026-01-03.

Conditions:
Inborn genetic diseases. Identifiers: MedGen C0950123, MeSH D030342.
Myoglobinuria, acute recurrent, autosomal recessive. Also called: Myoglobinuria, recurrent, autosomal recessive; MYOGLOBINURIA, FAMILIAL PAROXYSMAL PARALYTIC; RHABDOMYOLYSIS, ACUTE RECURRENT. Identifiers: Orphanet 99845, MedGen C1849386, MONDO:0009992, OMIM 268200.

Allele frequency attached by ClinVar (database versions not stated): 1000 Genomes Project 30x 0.00016; 1000 Genomes Project 0.00020; gnomAD exomes 0.00030; TOPMed 0.00036; ExAC 0.00045; gnomAD 0.00048 and 0.00051; ESP Exome Variant Server 0.00054.
gnomAD v4.1: 580 of 1,614,114 alleles (0.036%); highest among the groups gnomAD compares: African/African-American, 0.064%; 1 homozygote.

Submissions (7):

Labcorp Genetics (formerly Invitae), Labcorp
Classification: Uncertain significance. Last evaluated: 2026-01-03. Review status: criteria provided, single submitter. Criteria: Invitae Variant Classification Sherloc (09022015). Collection method: clinical testing. Allele origin: germline.
Comment: This sequence change replaces asparagine, which is neutral and polar, with serine, which is neutral and polar, at codon 40 of the LPIN1 protein (p.Asn40Ser). This variant is present in population databases (rs149819112, gnomAD 0.06%). This variant has not been reported in the literature in individuals affected with LPIN1-related conditions. ClinVar contains an entry for this variant (Variation ID: 330903). Invitae Evidence Modeling of protein sequence and biophysical properties (such as structural, functional, and spatial information, amino acid conservation, physicochemical variation, residue mobility, and thermodynamic stability) indicates that this missense variant is expected to disrupt LPIN1 protein function with a positive predictive value of 80%. In summary, the available evidence is currently insufficient to determine the role of this variant in disease. Therefore, it has been classified as a Variant of Uncertain Significance.

GeneDx
Classification: Uncertain significance. Last evaluated: 2024-11-19. Review status: criteria provided, single submitter. Criteria: GeneDx Variant Classification Process June 2021. Collection method: clinical testing. Allele origin: germline. Affected: yes.
Comment: In silico analysis indicates that this missense variant does not alter protein structure/function; Has not been previously published as pathogenic or benign to our knowledge

Blueprint Genetics
Classification: Uncertain significance. Last evaluated: 2024-07-10. Review status: criteria provided, single submitter. Criteria: ACMG Guidelines, 2015. Collection method: clinical testing. Allele origin: germline.

Baylor Genetics
Classification: Uncertain significance for Myoglobinuria, acute recurrent, autosomal recessive. Last evaluated: 2023-12-28. Review status: criteria provided, single submitter. Criteria: ACMG Guidelines, 2015. Collection method: clinical testing. Allele origin: unknown.

ARUP Laboratories, Molecular Genetics and Genomics, ARUP Laboratories
Classification: Uncertain significance for Myoglobinuria, acute recurrent, autosomal recessive. Last evaluated: 2023-12-07. Review status: criteria provided, single submitter. Criteria: ARUP Molecular Germline Variant Investigation Process 2024. Collection method: clinical testing. Allele origin: germline.
Comment: The LPIN1 c.119A>G; p.Asn40Ser variant (rs149819112), to our knowledge, is not reported in the medical literature but is reported in ClinVar (Variation ID: 330903). This variant is found in the general population with an overall allele frequency of 0.03% (88/282814 alleles) in the Genome Aggregation Database (v2.1.1). Computational analyses are uncertain whether this variant is neutral or deleterious (REVEL: 0.491). Due to limited information, the clinical significance of this variant is uncertain at this time.

Ambry Genetics
Classification: Uncertain significance for Inborn genetic diseases. Last evaluated: 2023-01-23. Review status: criteria provided, single submitter. Criteria: Ambry Variant Classification Scheme 2023. Collection method: clinical testing. Allele origin: germline.

Illumina Laboratory Services, Illumina
Classification: Uncertain significance for Myoglobinuria, acute recurrent, autosomal recessive. Last evaluated: 2018-01-13. Review status: criteria provided, single submitter. Criteria: ICSL Variant Classification Criteria 13 December 2019. Collection method: clinical testing. Allele origin: germline.